The following is an entry in ClinVar:

ClinVar aggregate classification (germline): Uncertain significance (1 of 4 stars; one submission).

Submission:

GeneDx
Classification: Uncertain significance. Last evaluated: 2017-10-16. Review status: criteria provided, single submitter. Criteria: GeneDx Variant Classification (06012015). Collection method: clinical testing. Allele origin: germline. Affected: yes.
Comment: The c.473_481delTGTCTGTAG variant has not been published as a pathogenic variant, nor has it been reported as a benign variant to our knowledge. The c.473_481delTGTCTGTAG variant is not observed in large population cohorts (Lek et al., 2016). The c.473_481delTGTCTGTAG variant results in an in-frame deletion of three amino acid residues, denoted p.Val158_Val160del. Based on the currently available information, it is unclear whether this variant is a pathogenic variant or a rare benign variant.

NM_024577.4(SH3TC2):c.473_481del (p.Val158_Val160del)

Gene: SH3TC2 (SH3 domain and tetratricopeptide repeats 2; minus strand). Cytogenetic location: 5q32.
Variant type: Deletion.
Coding change: c.473_481del on transcript NM_024577.4 (MANE Select); coding-DNA positions 473 to 481, 9 bases deleted (TGTCTGTAG; older notation c.473_481delTGTCTGTAG).
Protein change: p.Val158_Val160del.
Molecular consequence: inframe deletion.
Genome position (GRCh38, 1-based): chr5:149,042,742-149,042,750, CTACAGACA deleted on the plus strand (TGTCTGTAG on the coding strand, the reverse complement: SH3TC2 is on the minus strand); deleting any 9 consecutive bases within chr5:149,042,742-149,042,752 gives the same sequence; the c. name uses the placement nearest the transcript's 3' end. VCF-style (leftmost placement, unchanged base first): chr5-149042741-TCTACAGACA-T. GRCh37 (hg19) VCF-style: chr5-148422304-TCTACAGACA-T.
Other names: c.473_481delTGTCTGTAG (NM_024577.3).
Identifiers: ClinVar variation 452691 (VCV000452691.2), dbSNP rs1554122850, ClinGen allele CA658657551.
Genomic context (GRCh38, chr5:149,042,741, plus strand): 5'-ATGCCACACTCACCTTCCTGTATCAGGAGTCCCAGGTATATTGTTTCCAGGTGTTTATCA[TCTACAGACA>T]CTTGGATCTCTGTATCCTCCACCAATATGCAGTTGAGCCAGTACTTGTGGTCAAAGAGGA-3'